The following is an entry in ClinVar:

NM_024656.4(COLGALT1):c.1839A>G (p.Pro613=)

Gene: COLGALT1 (collagen beta(1-O)galactosyltransferase 1; plus strand). Cytogenetic location: 19p13.11.
Variant type: single nucleotide variant.
Coding change: c.1839A>G on transcript NM_024656.4 (MANE Select); coding-DNA position 1839, A replaced by G.
Protein change: p.Pro613=; no amino-acid change (proline 613 retained).
Molecular consequence: synonymous variant.
Genome position (GRCh38, 1-based): chr19:17,581,414, A>G. VCF-style: chr19-17581414-A-G. GRCh37 (hg19) VCF-style: chr19-17692223-A-G.
Other names: c.1839A>G (NM_024656.3).
Identifiers: ClinVar variation 2080221 (VCV002080221.6), dbSNP rs376592002, ClinGen allele CA9297450.

ClinVar aggregate classification (germline): Likely benign. Review status: criteria provided, multiple submitters, no conflicts (2 of 4 stars). 3 submissions from 3 submitters: Likely benign (3). Last evaluated 2026-01-12.

Conditions:
COLGALT1-related disorder. Also called: COLGALT1-related condition.

Allele frequency attached by ClinVar (database versions not stated): ExAC 0.00008; ESP Exome Variant Server 0.00015.
gnomAD v4.1: 156 of 1,610,868 alleles (0.0097%); highest among the groups gnomAD compares: Non-Finnish European, 0.0095%; no homozygotes.

Submissions (3):

Labcorp Genetics (formerly Invitae), Labcorp
Classification: Likely benign. Last evaluated: 2026-01-12. Review status: criteria provided, single submitter. Criteria: Invitae Variant Classification Sherloc (09022015). Collection method: clinical testing. Allele origin: germline.

PreventionGenetics, part of Exact Sciences
Classification: Likely benign for COLGALT1-related condition. Last evaluated: 2024-12-28. Review status: criteria provided, single submitter. Criteria: ACMG Guidelines, 2015. Collection method: clinical testing. Allele origin: germline.
Comment: This variant is classified as likely benign based on ACMG/AMP sequence variant interpretation guidelines (Richards et al. 2015 PMID: 25741868, with internal and published modifications).

Blueprint Genetics
Classification: Likely benign. Last evaluated: 2024-11-21. Review status: criteria provided, single submitter. Criteria: ACMG Guidelines, 2015. Collection method: clinical testing. Allele origin: germline.